The following is an entry in ClinVar:

ClinVar aggregate classification (germline): Uncertain significance. Review status: criteria provided, multiple submitters, no conflicts (2 of 4 stars). 3 submissions from 3 submitters: Uncertain significance (3). Last evaluated 2025-09-01.

Conditions:
Inborn genetic diseases. Identifiers: MedGen C0950123, MeSH D030342.
Kleefstra syndrome 1 (KLEFS1). Identifiers: Orphanet 261494, MedGen C0795833, MONDO:0027407, OMIM 610253.

Allele frequency attached by ClinVar (database versions not stated): gnomAD exomes below 0.00001.
gnomAD v4.1: 3 of 1,614,172 alleles (0.00019%); highest among the groups gnomAD compares: Admixed American, 0.0017%; no homozygotes.

Submissions (3):

Ambry Genetics
Classification: Uncertain significance for Inborn genetic diseases. Last evaluated: 2025-09-01. Review status: criteria provided, single submitter. Criteria: Ambry Variant Classification Scheme 2023. Collection method: clinical testing. Allele origin: germline.

Labcorp Genetics (formerly Invitae), Labcorp
Classification: Uncertain significance for Kleefstra syndrome 1. Last evaluated: 2025-07-30. Review status: criteria provided, single submitter. Criteria: Invitae Variant Classification Sherloc (09022015). Collection method: clinical testing. Allele origin: germline.
Comment: This sequence change replaces glycine, which is neutral and non-polar, with aspartic acid, which is acidic and polar, at codon 896 of the EHMT1 protein (p.Gly896Asp). This variant is not present in population databases (gnomAD no frequency). This variant has not been reported in the literature in individuals affected with EHMT1-related conditions. ClinVar contains an entry for this variant (Variation ID: 1038746). Invitae Evidence Modeling of protein sequence and biophysical properties (such as structural, functional, and spatial information, amino acid conservation, physicochemical variation, residue mobility, and thermodynamic stability) indicates that this missense variant is not expected to disrupt EHMT1 protein function with a negative predictive value of 80%. In summary, the available evidence is currently insufficient to determine the role of this variant in disease. Therefore, it has been classified as a Variant of Uncertain Significance.

GeneDx
Classification: Uncertain significance. Last evaluated: 2024-03-22. Review status: criteria provided, single submitter. Criteria: GeneDx Variant Classification Process June 2021. Collection method: clinical testing. Allele origin: germline. Affected: yes.
Comment: Not observed at significant frequency in large population cohorts (gnomAD); In silico analysis supports that this missense variant has a deleterious effect on protein structure/function; Has not been previously published as pathogenic or benign to our knowledge

NM_024757.5(EHMT1):c.2687G>A (p.Gly896Asp)

Gene: EHMT1 (euchromatic histone lysine methyltransferase 1; plus strand). Cytogenetic location: 9q34.3.
Variant type: single nucleotide variant.
Coding change: c.2687G>A on transcript NM_024757.5 (MANE Select); coding-DNA position 2687, G replaced by A.
Protein change: p.Gly896Asp; replaces glycine 896 with aspartic acid.
Molecular consequence: missense variant.
Genome position (GRCh38, 1-based): chr9:137,800,959, G>A. VCF-style: chr9-137800959-G-A. GRCh37 (hg19) VCF-style: chr9-140695411-G-A.
Other names: c.2666G>A, p.Gly889Asp (NM_001354263.2); short protein forms G889D, G896D.
Identifiers: ClinVar variation 1038746 (VCV001038746.13), dbSNP rs1953427756, ClinGen allele CA375788988.